The following is an entry in ClinVar:

NM_000492.4(CFTR):c.-812T>G

Genes: CFTR (CF transmembrane conductance regulator; plus strand), LOC111674463 (CFTR promoter region; plus strand). Cytogenetic location: 7q31.2.
Variant type: single nucleotide variant.
Coding change: c.-812T>G on transcript NM_000492.4 (MANE Select); 812 bases upstream of the start codon, T replaced by G.
Genome position (GRCh38, 1-based): chr7:117,479,283, T>G. VCF-style: chr7-117479283-T-G. GRCh37 (hg19) VCF-style: chr7-117119337-T-G.
Identifiers: ClinVar variation 51029 (VCV000051029.59), dbSNP rs181008242, ClinGen allele CA325803.

ClinVar aggregate classification (germline): Conflicting classifications of pathogenicity. Review status: criteria provided, conflicting classifications (1 of 4 stars). 9 submissions from 9 submitters: Uncertain significance (4); Benign (3); Likely benign (1). 1 of the submissions does not count toward it. Last evaluated 2026-09-16.

Conditions:
Cystic fibrosis (CF). Also called: MUCOVISCIDOSIS. Identifiers: Orphanet 586, MedGen C0010674, MONDO:0009061, OMIM 219700. Disease mechanism: loss of function.

Allele frequency attached by ClinVar (database versions not stated): 1000 Genomes Project 0.00120; 1000 Genomes Project 30x 0.00156; gnomAD 0.00371 and 0.00375; TOPMed 0.00390.

Submissions (9):

GeneDx
Classification: Uncertain significance. Last evaluated: 2026-09-16. Review status: criteria provided, single submitter. Criteria: GeneDx Variant Classification Process June 2021. Collection method: clinical testing. Allele origin: germline.
Comment: Published functional studies with conflicting results: decreased promoter activity in several different cell types (PMID: 25797027, 23470247, 30296588), and increased promoter activity in one cell type studied (PMID: 23470247); Reported with additional CFTR variants, phase unknown, in individuals with CFTR-related disorders (PMID: 23470247, 25797027); Observed in apparent homozygous state in multiple unrelated adult individuals tested at GeneDx, and in the heterozygous state in the general population (PMID: 23470247); Also known as -741T>G; This variant is associated with the following publications: (PMID: 23470247, 26847993, 25797027, 7540587, 30296588, 18703788)

CeGaT Center for Human Genetics Tuebingen
Classification: Benign. Last evaluated: 2026-08-01. Review status: criteria provided, single submitter. Criteria: CeGaT Center For Human Genetics Tuebingen Variant Classification Criteria Version 2. Collection method: clinical testing. Allele origin: germline. Affected: yes. Observed: 40 variant alleles.
Comment: CFTR: BS1, BS2

Labcorp Genetics (formerly Invitae), Labcorp
Classification: Benign for Cystic fibrosis. Last evaluated: 2025-08-04. Review status: criteria provided, single submitter. Criteria: Invitae Variant Classification Sherloc (09022015). Collection method: clinical testing. Allele origin: germline.

ARUP Laboratories, Molecular Genetics and Genomics, ARUP Laboratories
Classification: Uncertain significance. Last evaluated: 2025-07-14. Review status: criteria provided, single submitter. Criteria: ARUP Molecular Germline Variant Investigation Process 2024. Collection method: clinical testing. Allele origin: germline.
Comment: The CFTR c.-812T>G variant (rs181008242, ClinVar Variation ID: 51029) is reported in the literature in individuals affected with CFTR-related disorders such as pancreatitis or congenital bilateral absence of the vas deferens (Angyal 2024, Giordano 2013, Mak 1999, Wilschanski 2006). This variant is found in the general population with an overall allele frequency of 0.34% (108/31356 alleles) in the Genome Aggregation Database (v2.1.1). This variant occurs in the upstream promoter region at a nucleotide that is weakly conserved, but in vitro functional assays are conflicting for the effects on transcription and transcription factor binding (Bergougnoux 2015, Giordano 2013, Kerschner 2019). While this variant is not associated with classic cystic fibrosis, the clinical significance for CFTR-related disorders is uncertain. References: Angyal D et al. CFTR function is impaired in a subset of patients with pancreatitis carrying rare CFTR variants. Pancreatology. 2024 May;24(3):394-403. PMID: 38493004. Bergougnoux A et al. Should diffuse bronchiectasis still be considered a CFTR-related disorder? J Cyst Fibros. 2015 Sep;14(5):646-53. PMID: 25797027. Giordano S et al. Molecular and functional analysis of the large 5' promoter region of CFTR gene revealed pathogenic mutations in CF and CFTR-related disorders. J Mol Diagn. 2013 May;15(3):331-40. PMID: 23470247. Kerschner JL et al. Screening for Regulatory Variants in 460 kb Encompassing the CFTR Locus in Cystic Fibrosis Patients. J Mol Diagn. 2019 Jan;21(1):70-80. PMID: 30296588. Mak V et al. Proportion of cystic fibrosis gene mutations not detected by routine testing in men with obstructive azoospermia. JAMA. 1999 Jun 16;281(23):2217-24. PMID: 10376575. Wilschanski M et al. Mutations in the cystic fibrosis transmembrane regulator gene and in vivo transepithelial potentials. Am J Respir Crit Care Med. 2006 Oct 1;174(7):787-94. PMID: 16840743.

Quest Diagnostics Nichols Institute San Juan Capistrano
Classification: Uncertain significance. Last evaluated: 2024-06-19. Review status: criteria provided, single submitter. Criteria: Quest Diagnostics criteria. Collection method: clinical testing. Allele origin: unknown.
Comment: The CFTR c.-812T>G variant has been reported in the published literature in individuals affected with cystic fibrosis (CF) (PMIDs: 30296588 (2018), 23470247 (2013), 7540587 (1995)) and CFTR-related disorders (PMIDs: 25797027 (2015), 23470247 (2013), 18703788 (2008)). Functional studies yielded conflicting data on this variant's effect on CFTR promoter activity, transcription factor binding, and protein expression (PMIDs: 30296588 (2018), 25797027 (2015), 23470247 (2013), 7540587 (1995)). The frequency of this variant in the general population, 0.0052 (81/15406 chromosomes), is uninformative in assessment of its pathogenicity. ClinVar contains an entry for this variant (URL:, Variation ID: 51029). Based on the available information, we are unable to determine the clinical significance of this variant.

MGZ Medical Genetics Center
Classification: Uncertain significance for Cystic fibrosis. Last evaluated: 2021-12-03. Review status: criteria provided, single submitter. Criteria: ACMG Guidelines, 2015. Collection method: clinical testing. Allele origin: germline. Affected: yes. Observed: 3 variant alleles.
Comment: ACMG criteria applied: PS4_MOD, PM3, PM2_SUP

Ambry Genetics
Classification: Benign for Cystic fibrosis. Last evaluated: 2018-02-22. Review status: criteria provided, single submitter. Criteria: Ambry Variant Classification Scheme 2023. Collection method: clinical testing. Allele origin: germline.

Eurofins Ntd Llc (ga)
Classification: Likely benign. Last evaluated: 2017-01-18. Review status: criteria provided, single submitter. Criteria: EGL Classification Definitions 2015. Collection method: clinical testing. Allele origin: germline. Observed: 1 variant allele, 1 heterozygote.

Natera, Inc.
Classification: Likely benign for Cystic Fibrosis. Last evaluated: 2020-06-15. Review status: no assertion criteria provided. Collection method: clinical testing. Allele origin: germline. Not counted in ClinVar's aggregate classification.

Literature cited by the submitters: PubMed 7540587 (cited by Quest Diagnostics Nichols Institute San Juan Capistrano); PubMed 23470247 (cited by Quest Diagnostics Nichols Institute San Juan Capistrano and Ambry Genetics); PubMed 18703788 (cited by Quest Diagnostics Nichols Institute San Juan Capistrano); PubMed 25797027 (cited by Quest Diagnostics Nichols Institute San Juan Capistrano); PubMed 26847993 (cited by Quest Diagnostics Nichols Institute San Juan Capistrano); PubMed 30296588 (cited by Quest Diagnostics Nichols Institute San Juan Capistrano); PubMed 22504961 (cited by Quest Diagnostics Nichols Institute San Juan Capistrano).